The following is an entry in ClinVar:

NM_000540.3(RYR1):c.12527A>T (p.Tyr4176Phe)

Gene: RYR1 (ryanodine receptor 1; plus strand). Cytogenetic location: 19q13.2.
Variant type: single nucleotide variant.
Coding change: c.12527A>T on transcript NM_000540.3 (MANE Select); coding-DNA position 12527, A replaced by T.
Protein change: p.Tyr4176Phe; replaces tyrosine 4176 with phenylalanine.
Molecular consequence: missense variant.
Genome position (GRCh38, 1-based): chr19:38,561,357, A>T. VCF-style: chr19-38561357-A-T. GRCh37 (hg19) VCF-style: chr19-39051997-A-T.
Other names: c.12512A>T, p.Tyr4171Phe (NM_001042723.2); short protein forms Y4171F, Y4176F.
Identifiers: ClinVar variation 2631557 (VCV002631557.1), dbSNP rs1381548583, ClinGen allele CA405669508.

ClinVar aggregate classification (germline): Uncertain significance (1 of 4 stars; one submission).

Conditions:
RYR1-related disorder. Also called: RYR1-related condition; RYR1-related disorders. Identifiers: MedGen CN239331.

gnomAD v4.1: 1 of 1,613,738 alleles (0.000062%); highest among the groups gnomAD compares: Admixed American, 0.0017%; no homozygotes.

Submission:

PreventionGenetics, part of Exact Sciences
Classification: Uncertain significance for RYR1-related condition. Last evaluated: 2023-07-20. Review status: criteria provided, single submitter. Criteria: ACMG Guidelines, 2015. Collection method: clinical testing. Allele origin: germline.
Comment: The RYR1 c.12527A>T variant is predicted to result in the amino acid substitution p.Tyr4176Phe. To our knowledge, this variant has not been reported in the literature or in a large population database, indicating this variant is rare. At this time, the clinical significance of this variant is uncertain due to the absence of conclusive functional and genetic evidence.